The following is an entry in ClinVar:

ClinVar aggregate classification (germline): Uncertain significance (1 of 4 stars; one submission).

Conditions:
Neurodevelopmental disorder with or without hyperkinetic movements and seizures, autosomal dominant. Also called: Intellectual disability, autosomal dominant 8. Identifiers: MedGen C3280282, MONDO:0013655, OMIM 614254.

gnomAD v4.1: 3 of 1,613,640 alleles (0.00019%); highest among the groups gnomAD compares: East Asian, 0.0022%; no homozygotes.

Submission:

Labcorp Genetics (formerly Invitae), Labcorp
Classification: Uncertain significance for Neurodevelopmental disorder with or without hyperkinetic movements and seizures, autosomal dominant. Last evaluated: 2023-04-17. Review status: criteria provided, single submitter. Criteria: Invitae Variant Classification Sherloc (09022015). Collection method: clinical testing. Allele origin: germline.
Comment: Advanced modeling of protein sequence and biophysical properties (such as structural, functional, and spatial information, amino acid conservation, physicochemical variation, residue mobility, and thermodynamic stability) has been performed at Invitae for this missense variant, however the output from this modeling did not meet the statistical confidence thresholds required to predict the impact of this variant on GRIN1 protein function. This variant has not been reported in the literature in individuals affected with GRIN1-related conditions. This variant is present in population databases (no rsID available, gnomAD 0.006%). This sequence change replaces methionine, which is neutral and non-polar, with threonine, which is neutral and polar, at codon 209 of the GRIN1 protein (p.Met209Thr). In summary, the available evidence is currently insufficient to determine the role of this variant in disease. Therefore, it has been classified as a Variant of Uncertain Significance.

NM_007327.4(GRIN1):c.626T>C (p.Met209Thr)

Gene: GRIN1 (glutamate ionotropic receptor NMDA type subunit 1; plus strand). Cytogenetic location: 9q34.3.
Variant type: single nucleotide variant.
Coding change: c.626T>C on transcript NM_007327.4 (MANE Select); coding-DNA position 626, T replaced by C.
Protein change: p.Met209Thr; replaces methionine 209 with threonine.
Molecular consequence: missense variant.
Genome position (GRCh38, 1-based): chr9:137,149,064, T>C. VCF-style: chr9-137149064-T-C. GRCh37 (hg19) VCF-style: chr9-140043516-T-C.
Other names: c.626T>C, p.Met209Thr (NM_000832.7, NM_021569.4); c.689T>C, p.Met230Thr (NM_001185090.2, NM_001185091.2); short protein forms M209T, M230T.
Identifiers: ClinVar variation 2852527 (VCV002852527.3), dbSNP rs1390211424, ClinGen allele CA375714503.